The following is an entry in ClinVar:

NM_005401.5(PTPN14):c.3046C>T (p.Arg1016Ter)

Gene: PTPN14 (protein tyrosine phosphatase non-receptor type 14; minus strand). Cytogenetic location: 1q32.3.
Variant type: single nucleotide variant.
Coding change: c.3046C>T on transcript NM_005401.5 (MANE Select); coding-DNA position 3046, C replaced by T.
Protein change: p.Arg1016Ter; replaces arginine 1016 with a stop codon.
Molecular consequence: nonsense.
Genome position (GRCh38, 1-based): chr1:214,369,682, G>A on the plus strand (C>T on the coding strand, the complement: PTPN14 is on the minus strand). VCF-style: chr1-214369682-G-A. GRCh37 (hg19) VCF-style: chr1-214543025-G-A.
Other names: short protein forms R1016*.
Identifiers: ClinVar variation 2085963 (VCV002085963.1), dbSNP rs971817654, ClinGen allele CA37355747.

ClinVar aggregate classification (germline): Pathogenic (1 of 4 stars; one submission).

Allele frequency attached by ClinVar (database versions not stated): gnomAD exomes below 0.00001; gnomAD 0.00004; TOPMed 0.00007.
gnomAD v4.1: 13 of 1,613,918 alleles (0.00081%); highest among the groups gnomAD compares: Admixed American, 0.01%; no homozygotes.

Submission:

Labcorp Genetics (formerly Invitae), Labcorp
Classification: Pathogenic. Last evaluated: 2022-07-05. Review status: criteria provided, single submitter. Criteria: Invitae Variant Classification Sherloc (09022015). Collection method: clinical testing. Allele origin: germline.
Comment: This sequence change creates a premature translational stop signal (p.Arg1016*) in the PTPN14 gene. It is expected to result in an absent or disrupted protein product. Loss-of-function variants in PTPN14 are known to be pathogenic (PMID: 20826270). This variant is not present in population databases (gnomAD no frequency). This variant has not been reported in the literature in individuals affected with PTPN14-related conditions. For these reasons, this variant has been classified as Pathogenic.

Literature cited by the submitters: PubMed 20826270.